The following is an entry in ClinVar:

ClinVar aggregate classification (germline): Uncertain significance (1 of 4 stars; one submission).

Allele frequency attached by ClinVar (database versions not stated): ExAC 0.00005; ESP Exome Variant Server 0.00023; TOPMed 0.00022.
gnomAD v4.1: 149 of 1,614,066 alleles (0.0092%); highest among the groups gnomAD compares: Admixed American, 0.022%; 1 homozygote.

Submission:

Laboratory for Molecular Medicine, Mass General Brigham Personalized Medicine
Classification: Uncertain significance. Last evaluated: 2014-10-30. Review status: criteria provided, single submitter. Criteria: LMM Criteria. Collection method: clinical testing. Allele origin: germline. Observed: 1 variant allele.
Comment: The p.Val277Met variant in MYO1A has not been previously reported in individuals with hearing loss, but has been identified in 0.03% (3/8600) of European Americ an chromosomes by the NHLBI Exome Sequencing Project (du/EVS/; dbSNP rs141826192). Computational prediction tools and conservation ana lysis do not provide strong support for or against an impact to the protein. The clinical significance of the Val277Met variant is uncertain. However, recent ev idence has disqualified an association between variants in this gene and hearing loss and therefore the p.Val277Met variant is unlikely to be causative for hear ing loss (Eisenberger 2014).

NM_005379.4(MYO1A):c.829G>A (p.Val277Met)

Gene: MYO1A (myosin IA; minus strand). Cytogenetic location: 12q13.3.
Variant type: single nucleotide variant.
Coding change: c.829G>A on transcript NM_005379.4 (MANE Select); coding-DNA position 829, G replaced by A.
Protein change: p.Val277Met; replaces valine 277 with methionine.
Molecular consequence: missense variant.
Genome position (GRCh38, 1-based): chr12:57,043,919, C>T on the plus strand (G>A on the coding strand, the complement: MYO1A is on the minus strand). VCF-style: chr12-57043919-C-T. GRCh37 (hg19) VCF-style: chr12-57437703-C-T.
Other names: c.829G>A, p.Val277Met (NM_001256041.2); short protein forms V277M.
Identifiers: ClinVar variation 178457 (VCV000178457.4), dbSNP rs141826192, ClinGen allele CA182369.